The following is an entry in ClinVar:

NM_001035.3(RYR2):c.753A>T (p.Glu251Asp)

Gene: RYR2 (ryanodine receptor 2; plus strand). Cytogenetic location: 1q43.
Variant type: single nucleotide variant.
Coding change: c.753A>T on transcript NM_001035.3 (MANE Select); coding-DNA position 753, A replaced by T.
Protein change: p.Glu251Asp; replaces glutamic acid 251 with aspartic acid.
Molecular consequence: missense variant.
Genome position (GRCh38, 1-based): chr1:237,388,163, A>T. VCF-style: chr1-237388163-A-T. GRCh37 (hg19) VCF-style: chr1-237551463-A-T.
Other names: c.753A>T (NM_001035.2); short protein forms E251D.
Identifiers: ClinVar variation 921164 (VCV000921164.6), dbSNP rs1702095497, ClinGen allele CA345378471.

ClinVar aggregate classification (germline): Uncertain significance. Review status: criteria provided, multiple submitters, no conflicts (2 of 4 stars). 2 submissions from 2 submitters: Uncertain significance (2). Last evaluated 2024-03-06.

Conditions:
Cardiomyopathy (CMYO). Also called: Cardiomyopathies. Identifiers: Orphanet 167848, MedGen C0878544, MONDO:0004994, HP:0001638. Inheritance: Various modes of inheritance.

Submissions (2):

GeneDx
Classification: Uncertain significance. Last evaluated: 2024-03-06. Review status: criteria provided, single submitter. Criteria: GeneDx Variant Classification Process June 2021. Collection method: clinical testing. Allele origin: germline. Affected: yes.
Comment: Has not been previously published as pathogenic or benign to our knowledge; Not observed at significant frequency in large population cohorts (gnomAD); In silico analysis supports that this missense variant does not alter protein structure/function

Color Diagnostics, LLC DBA Color Health
Classification: Uncertain significance for Cardiomyopathy. Last evaluated: 2023-12-04. Review status: criteria provided, single submitter. Criteria: ACMG Guidelines, 2015. Collection method: clinical testing. Allele origin: germline.
Comment: Variant of Uncertain Significance due to insufficient evidence: This missense variant is located in the MIR motif 3 of the cytoplasmic MIR domain of the RYR2 protein. Computational prediction tools and conservation analyses are inconclusive regarding the impact of this variant on the protein function. Computational splicing tools suggest that this variant may not impact RNA splicing. To our knowledge, functional assays have not been performed for this variant nor has this variant been reported in individuals affected with cardiovascular disorders in the literature. This variant is rare in the general population and has been identified in 0/277264 chromosomes by the Genome Aggregation Database (gnomAD). Available evidence is insufficient to determine the pathogenicity of this variant conclusively.